The following is an entry in ClinVar:

NM_000038.6(APC):c.6442T>C (p.Phe2148Leu)

Gene: APC (APC regulator of Wnt signaling pathway; plus strand). Cytogenetic location: 5q22.2.
Variant type: single nucleotide variant.
Coding change: c.6442T>C on transcript NM_000038.6 (MANE Select); coding-DNA position 6442, T replaced by C.
Protein change: p.Phe2148Leu; replaces phenylalanine 2148 with leucine.
Molecular consequence: missense variant. On other transcripts: non-coding transcript variant (2).
Genome position (GRCh38, 1-based): chr5:112,842,036, T>C. VCF-style: chr5-112842036-T-C. GRCh37 (hg19) VCF-style: chr5-112177733-T-C.
Other names: c.6388T>C, p.Phe2130Leu (NM_001127511.3); c.6442T>C, p.Phe2148Leu (NM_001354895.2, NM_001127510.3, NM_001407450.1); c.6496T>C, p.Phe2166Leu (NM_001354896.2, NM_001407447.1, NM_001407448.1 and 1 more transcripts); c.6472T>C, p.Phe2158Leu (NM_001354897.2); c.6367T>C, p.Phe2123Leu (NM_001354898.2); c.6358T>C, p.Phe2120Leu (NM_001354899.2); c.6319T>C, p.Phe2107Leu (NM_001354900.2); c.6265T>C, p.Phe2089Leu (NM_001354901.2, NM_001407453.1); and 11 more; short protein forms F2057L, F2130L, F2141L, F2148L, F1988L, F2019L, F2158L, F1764L.
Identifiers: ClinVar variation 5025099 (VCV005025099.1).

ClinVar aggregate classification (germline): Uncertain significance (1 of 4 stars; one submission).

Conditions:
Hereditary cancer-predisposing syndrome. Also called: Neoplastic Syndromes, Hereditary; Tumor predisposition; Hereditary neoplastic syndrome; Hereditary Cancer Syndrome. Identifiers: Orphanet 140162, MedGen C0027672, MeSH D009386, MONDO:0015356.

Submission:

Ambry Genetics
Classification: Uncertain significance for Hereditary cancer-predisposing syndrome. Last evaluated: 2026-07-07. Review status: criteria provided, single submitter. Criteria: Ambry Variant Classification Scheme 2023. Collection method: clinical testing. Allele origin: germline.
Comment: The p.F2148L variant (also known as c.6442T>C), located in coding exon 15 of the APC gene, results from a T to C substitution at nucleotide position 6442. The phenylalanine at codon 2148 is replaced by leucine, an amino acid with highly similar properties. This amino acid position is conserved. In addition, in silico predictors for this gene do not accurately predict pathogenicity. Based on the available evidence, the clinical significance of this variant remains unclear.